The following is an entry in ClinVar:

NM_001174150.2(ARL13B):c.441A>G (p.Leu147=)

Gene: ARL13B (ARF like GTPase 13B; plus strand). Cytogenetic location: 3q11.2.
Variant type: single nucleotide variant.
Coding change: c.441A>G on transcript NM_001174150.2 (MANE Select); coding-DNA position 441, A replaced by G.
Protein change: p.Leu147=; no amino-acid change (leucine 147 retained).
Molecular consequence: synonymous variant. On other transcripts: non-coding transcript variant (2).
Genome position (GRCh38, 1-based): chr3:94,035,391, A>G. VCF-style: chr3-94035391-A-G. GRCh37 (hg19) VCF-style: chr3-93754235-A-G.
Other names: c.132A>G, p.Leu44= (NM_001174151.2); c.396A>G, p.Leu132= (NM_001321328.2); c.120A>G, p.Leu40= (NM_144996.4); c.441A>G, p.Leu147= (NM_182896.3); c.441A>G (NM_182896.2).
Identifiers: ClinVar variation 1135974 (VCV001135974.9), dbSNP rs148354827, ClinGen allele CA2504035.

ClinVar aggregate classification (germline): Likely benign. Review status: criteria provided, multiple submitters, no conflicts (2 of 4 stars). 3 submissions from 3 submitters: Likely benign (3). Last evaluated 2026-09-04.

Conditions:
ARL13B-related disorder. Also called: ARL13B-related condition.
Joubert syndrome 8 (JBTS8). Identifiers: Orphanet 475, MedGen C2676771, MONDO:0012855, OMIM 612291.

Allele frequency attached by ClinVar (database versions not stated): ExAC 0.00003; gnomAD 0.00004 and 0.00005; gnomAD exomes 0.00004; TOPMed 0.00005; ESP Exome Variant Server 0.00015.
gnomAD v4.1: 74 of 1,606,802 alleles (0.0046%); highest among the groups gnomAD compares: Middle Eastern, 0.05%; no homozygotes.

Submissions (3):

PreventionGenetics, part of Exact Sciences
Classification: Likely benign for ARL13B-related condition. Last evaluated: 2026-09-04. Review status: criteria provided, single submitter. Criteria: ACMG Guidelines, 2015. Collection method: clinical testing. Allele origin: germline.
Comment: This variant is classified as likely benign based on ACMG/AMP sequence variant interpretation guidelines (Richards et al. 2015 PMID: 25741868, with internal and published modifications).

Labcorp Genetics (formerly Invitae), Labcorp
Classification: Likely benign for Joubert syndrome 8. Last evaluated: 2026-01-22. Review status: criteria provided, single submitter. Criteria: Invitae Variant Classification Sherloc (09022015). Collection method: clinical testing. Allele origin: germline.

Blueprint Genetics
Classification: Likely benign. Last evaluated: 2023-05-08. Review status: criteria provided, single submitter. Criteria: ACMG Guidelines, 2015. Collection method: clinical testing. Allele origin: germline.